The following is an entry in ClinVar:

ClinVar aggregate classification (germline): Uncertain significance (1 of 4 stars; one submission).

Conditions:
Candidiasis, familial, 9 (CANDF9). Identifiers: Orphanet 1334, MedGen C4225324, MONDO:0014642, OMIM 616445.

Submission:

Labcorp Genetics (formerly Invitae), Labcorp
Classification: Uncertain significance for Candidiasis, familial, 9. Last evaluated: 2021-08-04. Review status: criteria provided, single submitter. Criteria: Invitae Variant Classification Sherloc (09022015). Collection method: clinical testing. Allele origin: germline.
Comment: This variant has not been reported in the literature in individuals affected with IL17RC-related conditions. In summary, the available evidence is currently insufficient to determine the role of this variant in disease. Therefore, it has been classified as a Variant of Uncertain Significance. Algorithms developed to predict the effect of sequence changes on RNA splicing suggest that this variant may disrupt the consensus splice site. Algorithms developed to predict the effect of missense changes on protein structure and function are either unavailable or do not agree on the potential impact of this missense change (SIFT: "Deleterious"; PolyPhen-2: "Possibly Damaging"; Align-GVGD: "Class C0"). This variant is not present in population databases (ExAC no frequency). This sequence change replaces tyrosine with serine at codon 534 of the IL17RC protein (p.Tyr534Ser). The tyrosine residue is highly conserved and there is a large physicochemical difference between tyrosine and serine.

NM_153460.4(IL17RC):c.1388A>C (p.Tyr463Ser)

Gene: IL17RC (interleukin 17 receptor C; plus strand). Cytogenetic location: 3p25.3.
Variant type: single nucleotide variant.
Coding change: c.1388A>C on transcript NM_153460.4 (MANE Select); coding-DNA position 1388, A replaced by C.
Protein change: p.Tyr463Ser; replaces tyrosine 463 with serine.
Molecular consequence: missense variant. On other transcripts: non-coding transcript variant (1).
Genome position (GRCh38, 1-based): chr3:9,932,608, A>C. VCF-style: chr3-9932608-A-C. GRCh37 (hg19) VCF-style: chr3-9974292-A-C.
Other names: c.1388A>C, p.Tyr463Ser (NM_001203263.2); c.1337A>C, p.Tyr446Ser (NM_001203264.2); c.1292A>C, p.Tyr431Ser (NM_001203265.2); c.1349A>C, p.Tyr450Ser (NM_001367278.1); c.1268A>C, p.Tyr423Ser (NM_001367279.1); c.1343A>C, p.Tyr448Ser (NM_001367280.1, NM_032732.6); c.1601A>C, p.Tyr534Ser (NM_153461.4); short protein forms Y423S, Y448S, Y534S, Y463S, Y431S, Y446S, Y450S.
Identifiers: ClinVar variation 1480549 (VCV001480549.6), dbSNP rs756452360, ClinGen allele CA351702584.